The following is an entry in ClinVar:

NM_001195553.2(DCX):c.200G>A (p.Gly67Glu)

Gene: DCX (doublecortin; minus strand). Cytogenetic location: Xq23.
Variant type: single nucleotide variant.
Coding change: c.200G>A on transcript NM_001195553.2 (MANE Select); coding-DNA position 200, G replaced by A.
Protein change: p.Gly67Glu; replaces glycine 67 with glutamic acid.
Molecular consequence: missense variant.
Genome position (GRCh38, 1-based): chrX:111,410,199, C>T on the plus strand (G>A on the coding strand, the complement: DCX is on the minus strand). VCF-style: chrX-111410199-C-T. GRCh37 (hg19) VCF-style: chrX-110653427-C-T.
Other names: c.443G>A, p.Gly148Glu (NM_000555.3); c.200G>A, p.Gly67Glu (NM_001369370.1, NM_001369371.1, NM_001369372.1 and 6 more transcripts); short protein forms G148E, G67E.
Identifiers: ClinVar variation 3338808 (VCV003338808.2).
Genomic context (GRCh38, chrX:111,410,199, plus strand): 5'-AGGTCAGCCAGCAAGGCGTCAAAGCTGCGAAAACGGTCAGAGGACACAGCGTACACAATC[C>T]CCTTGAAGTAGCGGTCCCCATTGCGGTAGAAACGTACCTTCTTGGCTTTCTTCTCATTAC-3'
Protein context (NP_001182482.1, residues 57-77): FYRNGDRYFK[Gly67Glu]IVYAVSSDRF

ClinVar aggregate classification (germline): Pathogenic/Likely pathogenic. Review status: criteria provided, multiple submitters, no conflicts (2 of 4 stars). 2 submissions from 2 submitters: Pathogenic (1); Likely pathogenic (1). Last evaluated 2024-02-20.

Conditions:
DCX-related disorder. Also called: DCX-Related Disorders; DCX-related condition. Identifiers: MedGen CN381525.

Submissions (2):

GeneDx
Classification: Pathogenic. Last evaluated: 2024-02-20. Review status: criteria provided, single submitter. Criteria: GeneDx Variant Classification Process June 2021. Collection method: clinical testing. Allele origin: germline. Affected: yes.
Comment: Not observed at significant frequency in large population cohorts (gnomAD); In silico analysis supports that this missense variant has a deleterious effect on protein structure/function; This variant is associated with the following publications: (PMID: 12390976)

Blueprint Genetics
Classification: Likely pathogenic for DCX-related disorders. Last evaluated: 2023-06-21. Review status: criteria provided, single submitter. Criteria: ACMG Guidelines, 2015. Collection method: clinical testing. Allele origin: germline. Affected: yes. Observed: 1 variant allele.